The following is an entry in ClinVar:

ClinVar aggregate classification (germline): Uncertain significance. Review status: criteria provided, multiple submitters, no conflicts (2 of 4 stars). 4 submissions from 4 submitters: Uncertain significance (3). 1 of the submissions does not count toward it. Last evaluated 2024-06-17.

Conditions:
Hereditary cancer-predisposing syndrome. Also called: Neoplastic Syndromes, Hereditary; Hereditary neoplastic syndrome; Tumor predisposition; Hereditary Cancer Syndrome. Identifiers: Orphanet 140162, MedGen C0027672, MeSH D009386, MONDO:0015356.
Familial cancer of breast. Also called: BREAST CANCER, FAMILIAL; Hereditary breast cancer; hereditary breast carcinoma. Identifiers: Orphanet 227535, MedGen C0346153, MONDO:0016419, OMIM 114480. Disease mechanism: loss of function.
Breast-ovarian cancer, familial, susceptibility to, 2 (BROVCA2). Also called: BRCA2 Hereditary Breast and Ovarian Cancer. Identifiers: Orphanet 145, MedGen C2675520, MONDO:0012933, OMIM 612555. Disease mechanism: loss of function.
Hereditary breast ovarian cancer syndrome. Also called: Hereditary breast and ovarian cancer; Hereditary breast and/or ovarian cancer syndrome; Hereditary breast and ovarian cancer syndrome (HBOC); Breast and ovarian cancer; BRCA1- and BRCA2-Associated Hereditary Breast and Ovarian Cancer; Hereditary breast and ovarian cancer syndrome. Identifiers: Orphanet 145, MedGen C0677776, MeSH D061325, MONDO:0003582. Disease mechanism: loss of function.

Allele frequency attached by ClinVar (database versions not stated): gnomAD exomes below 0.00001; ExAC 0.00001.
gnomAD v4.1: 5 of 1,613,432 alleles (0.00031%); highest among the groups gnomAD compares: South Asian, 0.0055%; no homozygotes.

Submissions (4):

Labcorp Genetics (formerly Invitae), Labcorp
Classification: Uncertain significance for Hereditary breast ovarian cancer syndrome. Last evaluated: 2024-06-17. Review status: criteria provided, single submitter. Criteria: Invitae Variant Classification Sherloc (09022015). Collection method: clinical testing. Allele origin: germline.
Comment: This sequence change replaces serine, which is neutral and polar, with arginine, which is basic and polar, at codon 163 of the BRCA2 protein (p.Ser163Arg). This variant is present in population databases (rs767985386, gnomAD 0.003%). This variant has not been reported in the literature in individuals affected with BRCA2-related conditions. ClinVar contains an entry for this variant (Variation ID: 548914). Advanced modeling of protein sequence and biophysical properties (such as structural, functional, and spatial information, amino acid conservation, physicochemical variation, residue mobility, and thermodynamic stability) performed at Invitae indicates that this missense variant is not expected to disrupt BRCA2 protein function with a negative predictive value of 95%. In summary, the available evidence is currently insufficient to determine the role of this variant in disease. Therefore, it has been classified as a Variant of Uncertain Significance.

Ambry Genetics
Classification: Uncertain significance for Hereditary cancer-predisposing syndrome. Last evaluated: 2024-05-13. Review status: criteria provided, single submitter. Criteria: Ambry Variant Classification Scheme 2023. Collection method: clinical testing. Allele origin: germline.
Comment: The p.S163R variant (also known as c.487A>C), located in coding exon 5 of the BRCA2 gene, results from an A to C substitution at nucleotide position 487. The serine at codon 163 is replaced by arginine, an amino acid with dissimilar properties. This alteration was identified in an individual diagnosed with breast cancer (Pramanik R et al. Ecancermedicalscience, 2024 Feb;18:1670). This amino acid position is well conserved in available vertebrate species. In addition, the in silico prediction for this alteration is inconclusive. Based on the available evidence, the clinical significance of this variant remains unclear.

Department of Pathology and Laboratory Medicine, Sinai Health System
Classification: Uncertain significance for Familial cancer of breast; Breast-ovarian cancer, familial, susceptibility to, 2. Last evaluated: 2022-02-15. Review status: criteria provided, single submitter. Criteria: ACMG Guidelines, 2015. Collection method: clinical testing. Allele origin: germline. Affected: yes.

Counsyl
Classification: Uncertain significance for Breast-ovarian cancer, familial, susceptibility to, 2. Last evaluated: 2018-05-25. Review status: no assertion criteria provided. Collection method: clinical testing. Allele origin: unknown. Not counted in ClinVar's aggregate classification.

Literature cited by the submitters: PubMed 38439815 (cited by Ambry Genetics).

NM_000059.4(BRCA2):c.487A>C (p.Ser163Arg)

Gene: BRCA2 (BRCA2 DNA repair associated; plus strand). Cytogenetic location: 13q13.1.
Variant type: single nucleotide variant.
Coding change: c.487A>C on transcript NM_000059.4 (MANE Select); coding-DNA position 487, A replaced by C.
Protein change: p.Ser163Arg; replaces serine 163 with arginine.
Molecular consequence: missense variant.
Genome position (GRCh38, 1-based): chr13:32,326,253, A>C. VCF-style: chr13-32326253-A-C. GRCh37 (hg19) VCF-style: chr13-32900390-A-C.
Other names: short protein forms S163R.
Identifiers: ClinVar variation 548914 (VCV000548914.6), dbSNP rs767985386, ClinGen allele CA6940380.